The following is an entry in ClinVar:

NM_004369.4(COL6A3):c.1043A>C (p.Gln348Pro)

Gene: COL6A3 (collagen type VI alpha 3 chain; minus strand). Cytogenetic location: 2q37.3.
Variant type: single nucleotide variant.
Coding change: c.1043A>C on transcript NM_004369.4 (MANE Select); coding-DNA position 1043, A replaced by C.
Protein change: p.Gln348Pro; replaces glutamine 348 with proline.
Molecular consequence: missense variant. On other transcripts: intron variant (2).
Genome position (GRCh38, 1-based): chr2:237,387,851, T>G on the plus strand (A>C on the coding strand, the complement: COL6A3 is on the minus strand). VCF-style: chr2-237387851-T-G. GRCh37 (hg19) VCF-style: chr2-238296494-T-G.
Other names: c.425A>C, p.Gln142Pro (NM_057165.5, NM_057167.4); c.92-6352A>C (NM_057166.5, NM_057164.5); short protein forms Q142P, Q348P.
Identifiers: ClinVar variation 4994981 (VCV004994981.1).

ClinVar aggregate classification (germline): Uncertain significance (1 of 4 stars; one submission).

Conditions:
COL6A3-related disorder. Also called: COL6A3-related condition; COL6A3-related disorders.

Submission:

PreventionGenetics, part of Exact Sciences
Classification: Uncertain significance for COL6A3-related condition. Last evaluated: 2026-04-17. Review status: criteria provided, single submitter. Criteria: ACMG Guidelines, 2015. Collection method: clinical testing. Allele origin: germline.
Comment: The COL6A3 c.1043A>C variant is predicted to result in the amino acid substitution p.Gln348Pro. To our knowledge, this variant has not been reported in the literature or in a large population database (gnomAD), indicating this variant is rare. At this time, the clinical significance of this variant is uncertain due to the absence of conclusive functional and genetic evidence.